The following is an entry in ClinVar:

ClinVar aggregate classification (germline): Uncertain significance. Review status: criteria provided, multiple submitters, no conflicts (2 of 4 stars). 6 submissions from 6 submitters: Uncertain significance (6). Last evaluated 2025-10-31.

Conditions:
TTC21B-related disorder. Also called: TTC21B-related condition; TTC21B-related disorders.
Inborn genetic diseases. Identifiers: MedGen C0950123, MeSH D030342.
Nephronophthisis. Also called: Juvenile Nephronophthisis. Identifiers: Orphanet 655, MedGen C0687120, MONDO:0019005, HP:0000090.
Jeune thoracic dystrophy. Also called: Infantile thoracic dystrophy; Thoracic pelvic phalangeal dystrophy; Jeune's syndrome; Chondroectodermal dysplasia-like syndrome; Jeune syndrome; Short-rib thoracic dysplasia. Identifiers: Orphanet 474, MedGen C0265275, MONDO:0018770.
Asphyxiating thoracic dystrophy 4 (SRTD4). Also called: SHORT-RIB THORACIC DYSPLASIA 4 WITH OR WITHOUT POLYDACTYLY; SHORT-RIB THORACIC DYSPLASIA 4. Identifiers: Orphanet 474, MedGen C3151185, MONDO:0013441, OMIM 613819.
Nephronophthisis 12 (NPHP12). Identifiers: Orphanet 655, MedGen C3151186, MONDO:0013442, OMIM 613820.

Allele frequency attached by ClinVar (database versions not stated): ExAC 0.00003; gnomAD 0.00003; gnomAD exomes 0.00003; TOPMed 0.00003; ESP Exome Variant Server 0.00008.
gnomAD v4.1: 52 of 1,613,492 alleles (0.0032%); highest among the groups gnomAD compares: Middle Eastern, 0.016%; no homozygotes.

Submissions (6):

PreventionGenetics, part of Exact Sciences
Classification: Uncertain significance for TTC21B-related condition. Last evaluated: 2025-10-31. Review status: criteria provided, single submitter. Criteria: ACMG Guidelines, 2015. Collection method: clinical testing. Allele origin: germline.
Comment: The TTC21B c.3931C>T variant is predicted to result in the amino acid substitution p.Arg1311Cys. To our knowledge, this variant has not been reported in the literature. This variant is reported in 0.0056% of alleles in individuals of Latino descent in gnomAD. At this time, the clinical significance of this variant is uncertain due to the absence of conclusive functional and genetic evidence.

Blueprint Genetics
Classification: Uncertain significance. Last evaluated: 2023-04-13. Review status: criteria provided, single submitter. Criteria: ACMG Guidelines, 2015. Collection method: clinical testing. Allele origin: germline.

Labcorp Genetics (formerly Invitae), Labcorp
Classification: Uncertain significance for Jeune thoracic dystrophy; Nephronophthisis. Last evaluated: 2022-09-27. Review status: criteria provided, single submitter. Criteria: Invitae Variant Classification Sherloc (09022015). Collection method: clinical testing. Allele origin: germline.
Comment: This sequence change replaces arginine, which is basic and polar, with cysteine, which is neutral and slightly polar, at codon 1311 of the TTC21B protein (p.Arg1311Cys). This variant is present in population databases (rs200605660, gnomAD 0.006%). This variant has not been reported in the literature in individuals affected with TTC21B-related conditions. ClinVar contains an entry for this variant (Variation ID: 450312). Advanced modeling of protein sequence and biophysical properties (such as structural, functional, and spatial information, amino acid conservation, physicochemical variation, residue mobility, and thermodynamic stability) performed at Invitae indicates that this missense variant is not expected to disrupt TTC21B protein function. In summary, the available evidence is currently insufficient to determine the role of this variant in disease. Therefore, it has been classified as a Variant of Uncertain Significance.

Fulgent Genetics
Classification: Uncertain significance for Asphyxiating thoracic dystrophy 4; Nephronophthisis 12. Last evaluated: 2022-02-10. Review status: criteria provided, single submitter. Criteria: ACMG Guidelines, 2015. Collection method: clinical testing. Allele origin: unknown.

Ambry Genetics
Classification: Uncertain significance for Inborn genetic diseases. Last evaluated: 2021-08-17. Review status: criteria provided, single submitter. Criteria: Ambry Variant Classification Scheme 2023. Collection method: clinical testing. Allele origin: germline.

GeneDx
Classification: Uncertain significance. Last evaluated: 2020-05-18. Review status: criteria provided, single submitter. Criteria: GeneDx Variant Classification Process June 2021. Collection method: clinical testing. Allele origin: germline. Affected: yes.
Comment: Not observed at a significant frequency in large population cohorts (Lek et al., 2016); In silico analysis supports that this missense variant has a deleterious effect on protein structure/function; Has not been previously published as pathogenic or benign to our knowledge

NM_024753.5(TTC21B):c.3931C>T (p.Arg1311Cys)

Gene: TTC21B (tetratricopeptide repeat domain 21B; minus strand). Cytogenetic location: 2q24.3.
Variant type: single nucleotide variant.
Coding change: c.3931C>T on transcript NM_024753.5 (MANE Select); coding-DNA position 3931, C replaced by T.
Protein change: p.Arg1311Cys; replaces arginine 1311 with cysteine.
Molecular consequence: missense variant.
Genome position (GRCh38, 1-based): chr2:165,874,775, G>A on the plus strand (C>T on the coding strand, the complement: TTC21B is on the minus strand). VCF-style: chr2-165874775-G-A. GRCh37 (hg19) VCF-style: chr2-166731285-G-A.
Other names: c.3931C>T (NM_024753.3); short protein forms R1311C.
Identifiers: ClinVar variation 450312 (VCV000450312.8), dbSNP rs200605660, ClinGen allele CA1941334.